The following is an entry in ClinVar:

ClinVar aggregate classification (germline): Uncertain significance (1 of 4 stars; one submission).

Conditions:
Intellectual developmental disorder 59. Also called: INTELLECTUAL DEVELOPMENTAL DISORDER, AUTOSOMAL DOMINANT 59; MENTAL RETARDATION, AUTOSOMAL DOMINANT 59. Identifiers: MedGen C5193190, MONDO:0032795, OMIM 618522.

Submission:

3billion
Classification: Uncertain significance for Intellectual developmental disorder 59. Last evaluated: 2026-08-04. Review status: criteria provided, single submitter. Criteria: ACMG Guidelines, 2015. Collection method: clinical testing. Allele origin: germline. Affected: yes. Observed: 1 variant allele, 1 heterozygote.
Comment: The variant is not observed in the gnomAD v2.1.1 dataset. Frameshift: predicted to result in a loss or disruption of normal protein function through nonsense-mediated decay (NMD) or protein truncation. Multiple pathogenic variants are reported downstream of the variant. However, loss of function variants in. CAMK2G. gene are incompletely understood as sufficient data on the mechanism are lacking and only one misssense variant (p.Arg292Pro) has been reported as pathogenic. Therefore, this variant is classified as uncertain significance according to the recommendation of ACMG/AMP guideline.

NM_001367534.1(CAMK2G):c.969dup (p.Ala324fs)

Gene: CAMK2G (calcium/calmodulin dependent protein kinase II gamma; minus strand). Cytogenetic location: 10q22.2.
Variant type: Duplication.
Coding change: c.969dup on transcript NM_001367534.1 (MANE Select); coding-DNA position 969, one base duplicated (C; older notation c.969dupC).
Protein change: p.Ala324fs; shifts the reading frame from alanine 324.
Molecular consequence: frameshift variant. On other transcripts: non-coding transcript variant (2), intron variant (27).
Genome position (GRCh38, 1-based): chr10:73,839,579, G duplicated on the plus strand (C on the coding strand, the reverse complement: CAMK2G is on the minus strand); the first of 5 consecutive G bases (chr10:73,839,579-73,839,583); duplicating any one gives the same sequence. VCF-style (leftmost placement, unchanged base first): chr10-73839578-C-CG. GRCh37 (hg19) VCF-style: chr10-75599336-C-CG.
Other names: c.216dup, p.Ala73fs (NM_001367542.1); c.969dup, p.Ala324fs (NM_001367543.1, NM_001367544.1, NM_001367546.1 and 8 more transcripts); c.923-2068dup (NM_001367532.1, NM_001367525.1, NM_001367514.1); c.723dup, p.Ala242fs (NM_001367524.1); c.947-2068dup (NM_001367531.1, NM_001367541.1, NM_001367528.1 and 17 more transcripts); c.635-2068dup (NM_001367538.1, NM_001367537.1); c.281-2068dup (NM_001367540.1); c.701-2068dup (NM_001367539.1); short protein forms A242fs, A324fs, A73fs.
Identifiers: ClinVar variation 1687297 (VCV001687297.2), dbSNP rs2134277165, ClinGen allele CA2573145393.
Genomic context (GRCh38, chr10:73,839,578, plus strand): 5'-GGGAGGACTCATGCCACGTACCTTGCCCGGCCAGGCCGGCGGCGCTCGCGGCAGGCGAGG[C>CG]GGGGGCGGAGCTCTGCCTGCCAACTGAGGGGATACAGTCTCTCAGTGCACAGAGCCCCGC-3'